The following is an entry in ClinVar:

ClinVar aggregate classification (germline): Conflicting classifications of pathogenicity. Review status: criteria provided, conflicting classifications (1 of 4 stars). 4 submissions from 2 submitters: Uncertain significance (3); Likely benign (1). Last evaluated 2025-09-30.

Conditions:
Atypical hemolytic-uremic syndrome with C3 anomaly. Also called: AHUS, SUSCEPTIBILITY TO, 5. Identifiers: Orphanet 2134, MedGen C2752037, MONDO:0013043, OMIM 612925.
Complement component 3 deficiency. Identifiers: Orphanet 280133, MedGen C3151071, MONDO:0013417, OMIM 613779.
Age related macular degeneration 9. Identifiers: MedGen C1969651, MONDO:0012659, OMIM 611378.

Allele frequency attached by ClinVar (database versions not stated): ExAC 0.00001; gnomAD exomes 0.00001; TOPMed 0.00001.

Submissions (4):

Women's Health and Genetics/Laboratory Corporation of America, LabCorp
Classification: Likely benign. Last evaluated: 2025-09-30. Review status: criteria provided, single submitter. Criteria: LabCorp Variant Classification Summary - May 2015. Collection method: clinical testing. Allele origin: germline.
Comment: Variant summary: C3 c.2793C>T alters a conserved nucleotide resulting in a synonymous change. Consensus agreement among computation tools predict no significant impact on normal splicing. However, these predictions have yet to be confirmed by functional studies. The variant allele was found at a frequency of 1.2e-05 in 251366 control chromosomes. The available data on variant occurrences in the general population are insufficient to allow any conclusion about variant significance. To our knowledge, no occurrence of c.2793C>T in individuals affected with C3-related conditions and no experimental evidence demonstrating its impact on protein function have been reported. ClinVar contains an entry for this variant (Variation ID: 892765). Based on the evidence outlined above, the variant was classified as likely benign.

Illumina Laboratory Services, Illumina
Classification: Uncertain significance for Complement component 3 deficiency. Last evaluated: 2018-01-13. Review status: criteria provided, single submitter. Criteria: ICSL Variant Classification Criteria 13 December 2019. Collection method: clinical testing. Allele origin: germline.

Illumina Laboratory Services, Illumina
Classification: Uncertain significance for Atypical hemolytic-uremic syndrome with C3 anomaly. Last evaluated: 2018-01-13. Review status: criteria provided, single submitter. Criteria: ICSL Variant Classification Criteria 13 December 2019. Collection method: clinical testing. Allele origin: germline.

Illumina Laboratory Services, Illumina
Classification: Uncertain significance for Age related macular degeneration 9. Last evaluated: 2018-01-13. Review status: criteria provided, single submitter. Criteria: ICSL Variant Classification Criteria 13 December 2019. Collection method: clinical testing. Allele origin: germline.

NM_000064.4(C3):c.2793C>T (p.Val931=)

Gene: C3 (complement C3; minus strand). Cytogenetic location: 19p13.3.
Variant type: single nucleotide variant.
Coding change: c.2793C>T on transcript NM_000064.4 (MANE Select); coding-DNA position 2793, C replaced by T.
Protein change: p.Val931=; no amino-acid change (valine 931 retained).
Molecular consequence: synonymous variant.
Genome position (GRCh38, 1-based): chr19:6,697,347, G>A on the plus strand (C>T on the coding strand, the complement: C3 is on the minus strand). VCF-style: chr19-6697347-G-A. GRCh37 (hg19) VCF-style: chr19-6697358-G-A.
Identifiers: ClinVar variation 892765 (VCV000892765.5), dbSNP rs781226831, ClinGen allele CA9128975.